The following is an entry in ClinVar:

ClinVar aggregate classification (germline): Pathogenic. Review status: criteria provided, multiple submitters, no conflicts (2 of 4 stars). 4 submissions from 4 submitters: Pathogenic (4). Last evaluated 2024-05-28.

Conditions:
Hypercholesterolemia, familial, 4 (FHCL4). Also called: HYPERCHOLESTEROLEMIA, AUTOSOMAL RECESSIVE, 1; HYPERCHOLESTEROLEMIA, AUTOSOMAL RECESSIVE, 2. Identifiers: Orphanet 391665, MedGen C1863512, MONDO:0011374, OMIM 603813.
Familial hypercholesterolemia. Also called: Familial hypercholesterolaemia; Familial hypercholesterolemias. Identifiers: MedGen C0020445, MONDO:0005439.

Submissions (4):

Women's Health and Genetics/Laboratory Corporation of America, LabCorp
Classification: Pathogenic for Familial hypercholesterolemia. Last evaluated: 2024-05-28. Review status: criteria provided, single submitter. Criteria: LabCorp Variant Classification Summary - May 2015. Collection method: clinical testing. Allele origin: germline.
Comment: Variant summary: LDLRAP1 c.466delG (p.Ala156LeufsX6) results in a premature termination codon, predicted to cause a truncation of the encoded protein or absence of the protein due to nonsense mediated decay, which are commonly known mechanisms for disease. The variant was absent in 251450 control chromosomes. c.466delG has been reported in the literature in both homozygous and heterozugous individuals affected with Familial Hypercholesterolemia (e.g., Pek_2021). These data indicate that the variant is likely to be associated with disease. To our knowledge, no experimental evidence demonstrating an impact on protein function has been reported. The following publication has been ascertained in the context of this evaluation (PMID: 33994332). No submitters have cited clinical-significance assessments for this variant to ClinVar. Based on the evidence outlined above, the variant was classified as pathogenic.

Fulgent Genetics
Classification: Pathogenic for Hypercholesterolemia, familial, 4. Last evaluated: 2024-04-27. Review status: criteria provided, single submitter. Criteria: ACMG Guidelines, 2015. Collection method: clinical testing. Allele origin: germline.

Labcorp Genetics (formerly Invitae), Labcorp
Classification: Pathogenic for Hypercholesterolemia, familial, 4. Last evaluated: 2023-12-19. Review status: criteria provided, single submitter. Criteria: Invitae Variant Classification Sherloc (09022015). Collection method: clinical testing. Allele origin: germline.
Comment: This sequence change creates a premature translational stop signal (p.Ala156Leufs*6) in the LDLRAP1 gene. It is expected to result in an absent or disrupted protein product. Loss-of-function variants in LDLRAP1 are known to be pathogenic (PMID: 11326085, 12464675). This variant is not present in population databases (gnomAD no frequency). This premature translational stop signal has been observed in individual(s) with hypercholesterolemia (PMID: 33994332). For these reasons, this variant has been classified as Pathogenic.

Juno Genomics, Hangzhou Juno Genomics, Inc
Classification: Pathogenic for Hypercholesterolemia, familial, 4. Review status: criteria provided, single submitter. Criteria: ACMG Guidelines, 2015. Collection method: clinical testing. Allele origin: germline.
Comment: Absent from controls (or at extremely low frequency if recessive) in Genome Aggregation Database.;Null variant in a gene where loss of function (LOF) is a known mechanism of disease.;For recessive disorders, detected in trans with a pathogenic variant.

Literature cited by the submitters: PubMed 33994332 (cited by Women's Health and Genetics/Laboratory Corporation of America, LabCorp and Labcorp Genetics (formerly Invitae), Labcorp); PubMed 11326085 (cited by Labcorp Genetics (formerly Invitae), Labcorp); PubMed 12464675 (cited by Labcorp Genetics (formerly Invitae), Labcorp).

NM_015627.3(LDLRAP1):c.466del (p.Ala156fs)

Gene: LDLRAP1 (low density lipoprotein receptor adaptor protein 1; plus strand). Cytogenetic location: 1p36.11.
Variant type: Deletion.
Coding change: c.466del on transcript NM_015627.3 (MANE Select); coding-DNA position 466, one base deleted (G; older notation c.466delG).
Protein change: p.Ala156fs; shifts the reading frame from alanine 156.
Molecular consequence: frameshift variant.
Genome position (GRCh38, 1-based): chr1:25,562,650, G deleted; the last of 2 consecutive G bases (chr1:25,562,649-25,562,650); deleting either gives the same sequence. VCF-style (leftmost placement, unchanged base first): chr1-25562648-AG-A. GRCh37 (hg19) VCF-style: chr1-25889139-AG-A.
Other names: c.466delG (NM_015627.3); short protein forms A156fs.
Identifiers: ClinVar variation 2789329 (VCV002789329.7), dbSNP rs1430518299, ClinGen allele CA734393825.
Genomic context (GRCh38, chr1:25,562,648, plus strand): 5'-CTTGCTCTGCCCTGGCTGACACTGCACCCCTCCCCATCCCCACTTCCTGTTTTCAGGCAC[AG>A]GCTGTTACCCTCACCGTAGCCCAGGCCTTCAAAGTCGCCTTTGAGTTTTGGCAGGTGTCC-3'